The following is an entry in ClinVar:

ClinVar aggregate classification (germline): Uncertain significance. Review status: criteria provided, multiple submitters, no conflicts (2 of 4 stars). 2 submissions from 2 submitters: Uncertain significance (2). Last evaluated 2024-07-26.

Conditions:
Combined immunodeficiency due to LRBA deficiency. Also called: Common variable immunodeficiency 8, with autoimmunity. Identifiers: Orphanet 445018, MedGen C3553512, MONDO:0013863, OMIM 614700.

Allele frequency attached by ClinVar (database versions not stated): gnomAD 0.00005 and 0.00006; TOPMed 0.00005; ExAC 0.00007; gnomAD exomes 0.00009; 1000 Genomes Project 30x 0.00016; 1000 Genomes Project 0.00020.
gnomAD v4.1: 81 of 1,613,580 alleles (0.005%); highest among the groups gnomAD compares: South Asian, 0.0088%; 1 homozygote.

Submissions (2):

Blueprint Genetics
Classification: Uncertain significance. Last evaluated: 2024-07-26. Review status: criteria provided, single submitter. Criteria: ACMG Guidelines, 2015. Collection method: clinical testing. Allele origin: germline.

Labcorp Genetics (formerly Invitae), Labcorp
Classification: Uncertain significance for Combined immunodeficiency due to LRBA deficiency. Last evaluated: 2022-07-11. Review status: criteria provided, single submitter. Criteria: Invitae Variant Classification Sherloc (09022015). Collection method: clinical testing. Allele origin: germline.
Comment: This sequence change replaces serine, which is neutral and polar, with leucine, which is neutral and non-polar, at codon 1384 of the LRBA protein (p.Ser1384Leu). This variant is present in population databases (rs201109519, gnomAD 0.04%). This variant has not been reported in the literature in individuals affected with LRBA-related conditions. ClinVar contains an entry for this variant (Variation ID: 1377689). Algorithms developed to predict the effect of missense changes on protein structure and function are either unavailable or do not agree on the potential impact of this missense change (SIFT: "Deleterious"; PolyPhen-2: "Probably Damaging"; Align-GVGD: "Class C0"). In summary, the available evidence is currently insufficient to determine the role of this variant in disease. Therefore, it has been classified as a Variant of Uncertain Significance.

NM_001364905.1(LRBA):c.4151C>T (p.Ser1384Leu)

Gene: LRBA (LPS responsive beige-like anchor protein; minus strand). Cytogenetic location: 4q31.3.
Variant type: single nucleotide variant.
Coding change: c.4151C>T on transcript NM_001364905.1 (MANE Select); coding-DNA position 4151, C replaced by T.
Protein change: p.Ser1384Leu; replaces serine 1384 with leucine.
Molecular consequence: missense variant.
Genome position (GRCh38, 1-based): chr4:150,849,429, G>A on the plus strand (C>T on the coding strand, the complement: LRBA is on the minus strand). VCF-style: chr4-150849429-G-A. GRCh37 (hg19) VCF-style: chr4-151770581-G-A.
Other names: c.4151C>T, p.Ser1384Leu (NM_001199282.3, NM_001367550.1, NM_006726.5); short protein forms S1384L.
Identifiers: ClinVar variation 1377689 (VCV001377689.4), dbSNP rs201109519, ClinGen allele CA3102889.